The following is an entry in ClinVar:

ClinVar aggregate classification (germline): Uncertain significance (1 of 4 stars; one submission).

gnomAD v4.1: 1 of 1,614,090 alleles (0.000062%); highest among the groups gnomAD compares: South Asian, 0.0011%; no homozygotes.

Submission:

Labcorp Genetics (formerly Invitae), Labcorp
Classification: Uncertain significance. Last evaluated: 2025-11-23. Review status: criteria provided, single submitter. Criteria: Invitae Variant Classification Sherloc (09022015). Collection method: clinical testing. Allele origin: germline.
Comment: This sequence change replaces leucine, which is neutral and non-polar, with proline, which is neutral and non-polar, at codon 3946 of the DNAH9 protein (p.Leu3946Pro). This variant is not present in population databases (gnomAD no frequency). This variant has not been reported in the literature in individuals affected with DNAH9-related conditions. Invitae Evidence Modeling of protein sequence and biophysical properties (such as structural, functional, and spatial information, amino acid conservation, physicochemical variation, residue mobility, and thermodynamic stability) indicates that this missense variant is expected to disrupt DNAH9 protein function with a positive predictive value of 80%. In summary, the available evidence is currently insufficient to determine the role of this variant in disease. Therefore, it has been classified as a Variant of Uncertain Significance.

NM_001372.4(DNAH9):c.11837T>C (p.Leu3946Pro)

Gene: DNAH9 (dynein axonemal heavy chain 9; plus strand). Cytogenetic location: 17p12.
Variant type: single nucleotide variant.
Coding change: c.11837T>C on transcript NM_001372.4 (MANE Select); coding-DNA position 11837, T replaced by C.
Protein change: p.Leu3946Pro; replaces leucine 3946 with proline.
Molecular consequence: missense variant.
Genome position (GRCh38, 1-based): chr17:11,923,901, T>C. VCF-style: chr17-11923901-T-C. GRCh37 (hg19) VCF-style: chr17-11827218-T-C.
Other names: c.773T>C, p.Leu258Pro (NM_004662.2); short protein forms L258P, L3946P.
Identifiers: ClinVar variation 4723809 (VCV004723809.1).